The following is an entry in ClinVar:

ClinVar aggregate classification (germline): Uncertain significance (1 of 4 stars; one submission).

Submission:

Labcorp Genetics (formerly Invitae), Labcorp
Classification: Uncertain significance. Last evaluated: 2025-10-21. Review status: criteria provided, single submitter. Criteria: Invitae Variant Classification Sherloc (09022015). Collection method: clinical testing. Allele origin: germline.
Comment: This sequence change replaces glutamic acid, which is acidic and polar, with glycine, which is neutral and non-polar, at codon 342 of the ALPL protein (p.Glu342Gly). This variant is not present in population databases (gnomAD no frequency). This variant has not been reported in the literature in individuals affected with ALPL-related conditions. Invitae Evidence Modeling of protein sequence and biophysical properties (such as structural, functional, and spatial information, amino acid conservation, physicochemical variation, residue mobility, and thermodynamic stability) indicates that this missense variant is expected to disrupt ALPL protein function with a positive predictive value of 95%. In summary, the available evidence is currently insufficient to determine the role of this variant in disease. Therefore, it has been classified as a Variant of Uncertain Significance.

NM_000478.6(ALPL):c.1025A>G (p.Glu342Gly)

Gene: ALPL (alkaline phosphatase, biomineralization associated; plus strand). Cytogenetic location: 1p36.12.
Variant type: single nucleotide variant.
Coding change: c.1025A>G on transcript NM_000478.6 (MANE Select); coding-DNA position 1025, A replaced by G.
Protein change: p.Glu342Gly; replaces glutamic acid 342 with glycine.
Molecular consequence: missense variant.
Genome position (GRCh38, 1-based): chr1:21,575,760, A>G. VCF-style: chr1-21575760-A-G. GRCh37 (hg19) VCF-style: chr1-21902253-A-G.
Other names: c.860A>G, p.Glu287Gly (NM_001127501.4); c.794A>G, p.Glu265Gly (NM_001177520.3); c.1025A>G, p.Glu342Gly (NM_001369803.2, NM_001369804.2, NM_001369805.2); short protein forms E265G, E287G, E342G.
Identifiers: ClinVar variation 4799868 (VCV004799868.1).